The following is an entry in ClinVar:

ClinVar aggregate classification (germline): Uncertain significance. Review status: criteria provided, multiple submitters, no conflicts (2 of 4 stars). 4 submissions from 4 submitters: Uncertain significance (4). Last evaluated 2023-12-04.

Conditions:
Catecholaminergic polymorphic ventricular tachycardia (CVPT). Also called: Catecholamine-induced polymorphic ventricular tachycardia. Identifiers: Orphanet 3286, MedGen C5574922, MONDO:0017990.
Cardiovascular phenotype. Identifiers: MedGen CN230736.
Cardiomyopathy (CMYO). Also called: Cardiomyopathies. Identifiers: Orphanet 167848, MedGen C0878544, MONDO:0004994, HP:0001638. Inheritance: Various modes of inheritance.
Catecholaminergic polymorphic ventricular tachycardia 1. Also called: VENTRICULAR TACHYCARDIA, CATECHOLAMINERGIC POLYMORPHIC, 1, WITH OR WITHOUT ATRIAL DYSFUNCTION AND/OR DILATED CARDIOMYOPATHY; RYR2-Related Catecholaminergic Polymorphic Ventricular Tachycardia; VENTRICULAR TACHYCARDIA, STRESS-INDUCED POLYMORPHIC 1. Identifiers: Orphanet 3286, MedGen C1631597, MONDO:0011484, OMIM 604772.

Allele frequency attached by ClinVar (database versions not stated): gnomAD exomes below 0.00001; gnomAD 0.00001; TOPMed 0.00001.
gnomAD v4.1: 3 of 1,613,648 alleles (0.00019%); highest among the groups gnomAD compares: South Asian, 0.0011%; no homozygotes.

Submissions (4):

Color Diagnostics, LLC DBA Color Health
Classification: Uncertain significance for Cardiomyopathy. Last evaluated: 2023-12-04. Review status: criteria provided, single submitter. Criteria: ACMG Guidelines, 2015. Collection method: clinical testing. Allele origin: germline.
Comment: Variant of Uncertain Significance due to insufficient evidence: This missense variant is located in the cytoplasmic SPRY domain 3 of the RYR2 protein. Computational prediction tools and conservation analyses are inconclusive regarding the impact of this variant on the protein function. Computational splicing tools suggest that this variant may not impact RNA splicing. To our knowledge, functional assays have not been performed for this variant nor has this variant been reported in individuals affected with cardiovascular disorders in the literature. This variant is rare in the general population and has been identified in 0/277264 chromosomes by the Genome Aggregation Database (gnomAD). Available evidence is insufficient to determine the pathogenicity of this variant conclusively.

All of Us Research Program, National Institutes of Health
Classification: Uncertain significance for Catecholaminergic polymorphic ventricular tachycardia. Last evaluated: 2023-05-04. Review status: criteria provided, single submitter. Criteria: ACMG Guidelines, 2015. Collection method: clinical testing. Allele origin: germline. Inheritance: Autosomal dominant inheritance. Observed: 1 variant allele, 1 heterozygote.
Comment: Variant of Uncertain Significance due to insufficient evidence: This missense variant is located in the cytoplasmic SPRY domain 3 of the RYR2 protein. Computational prediction tools and conservation analyses are inconclusive regarding the impact of this variant on the protein function. Computational splicing tools suggest that this variant may not impact RNA splicing. To our knowledge, functional assays have not been performed for this variant nor has this variant been reported in individuals affected with cardiovascular disorders in the literature. This variant is rare in the general population and has been identified in 0/277264 chromosomes by the Genome Aggregation Database (gnomAD). Available evidence is insufficient to determine the pathogenicity of this variant conclusively.

This study involves interpretation of variants in research participants for the purpose of population health screening. Participant phenotype was not available at the time of variant classification. Additional details can be found in publication PMID: 35346344, PMCID: PMC8962531

Ambry Genetics
Classification: Uncertain significance for Cardiovascular phenotype. Last evaluated: 2023-03-30. Review status: criteria provided, single submitter. Criteria: Ambry Variant Classification Scheme 2023. Collection method: clinical testing. Allele origin: germline.
Comment: The p.D1360N variant (also known as c.4078G>A), located in coding exon 31 of the RYR2 gene, results from a G to A substitution at nucleotide position 4078. The aspartic acid at codon 1360 is replaced by asparagine, an amino acid with highly similar properties. This amino acid position is not well conserved in available vertebrate species. In addition, this alteration is predicted to be tolerated by in silico analysis. Since supporting evidence is limited at this time, the clinical significance of this alteration remains unclear.

Labcorp Genetics (formerly Invitae), Labcorp
Classification: Uncertain significance for Catecholaminergic polymorphic ventricular tachycardia 1. Last evaluated: 2022-08-30. Review status: criteria provided, single submitter. Criteria: Invitae Variant Classification Sherloc (09022015). Collection method: clinical testing. Allele origin: germline.
Comment: In summary, the available evidence is currently insufficient to determine the role of this variant in disease. Therefore, it has been classified as a Variant of Uncertain Significance. Advanced modeling of protein sequence and biophysical properties (such as structural, functional, and spatial information, amino acid conservation, physicochemical variation, residue mobility, and thermodynamic stability) performed at Invitae indicates that this missense variant is not expected to disrupt RYR2 protein function. ClinVar contains an entry for this variant (Variation ID: 922758). This variant has not been reported in the literature in individuals affected with RYR2-related conditions. This variant is not present in population databases (gnomAD no frequency). This sequence change replaces aspartic acid, which is acidic and polar, with asparagine, which is neutral and polar, at codon 1360 of the RYR2 protein (p.Asp1360Asn).

NM_001035.3(RYR2):c.4078G>A (p.Asp1360Asn)

Genes: RYR2 (ryanodine receptor 2; plus strand), LOC126806067 (BRD4-independent group 4 enhancer GRCh37_chr1:237753258-237754457; plus strand). Cytogenetic location: 1q43.
Variant type: single nucleotide variant.
Coding change: c.4078G>A on transcript NM_001035.3 (MANE Select); coding-DNA position 4078, G replaced by A.
Protein change: p.Asp1360Asn; replaces aspartic acid 1360 with asparagine.
Molecular consequence: missense variant.
Genome position (GRCh38, 1-based): chr1:237,590,910, G>A. VCF-style: chr1-237590910-G-A. GRCh37 (hg19) VCF-style: chr1-237754210-G-A.
Other names: c.4078G>A (NM_001035.2); short protein forms D1360N.
Identifiers: ClinVar variation 922758 (VCV000922758.13), dbSNP rs1274140033, ClinGen allele CA345397690.